The following is an entry in ClinVar:

NM_005472.5(KCNE3):c.46G>A (p.Ala16Thr)

Gene: KCNE3 (potassium voltage-gated channel subfamily E regulatory subunit 3; minus strand). Cytogenetic location: 11q13.4.
Variant type: single nucleotide variant.
Coding change: c.46G>A on transcript NM_005472.5 (MANE Select); coding-DNA position 46, G replaced by A.
Protein change: p.Ala16Thr; replaces alanine 16 with threonine.
Molecular consequence: missense variant.
Genome position (GRCh38, 1-based): chr11:74,457,518, C>T on the plus strand (G>A on the coding strand, the complement: KCNE3 is on the minus strand). VCF-style: chr11-74457518-C-T. GRCh37 (hg19) VCF-style: chr11-74168563-C-T.
Other names: short protein forms A16T.
Identifiers: ClinVar variation 2416326 (VCV002416326.6), dbSNP rs767752832, ClinGen allele CA6184866.

ClinVar aggregate classification (germline): Uncertain significance (1 of 4 stars; one submission).

Conditions:
Brugada syndrome 6 (BRGDA6). Identifiers: Orphanet 130, MedGen C2751089, MONDO:0013145, OMIM 613119.

Allele frequency attached by ClinVar (database versions not stated): gnomAD exomes 0.00001; TOPMed 0.00001; ExAC 0.00003.
gnomAD v4.1: 25 of 1,614,194 alleles (0.0015%); highest among the groups gnomAD compares: Non-Finnish European, 0.0013%; 1 homozygote.

Submission:

Labcorp Genetics (formerly Invitae), Labcorp
Classification: Uncertain significance for Brugada syndrome 6. Last evaluated: 2024-04-29. Review status: criteria provided, single submitter. Criteria: Invitae Variant Classification Sherloc (09022015). Collection method: clinical testing. Allele origin: germline.
Comment: This sequence change replaces alanine, which is neutral and non-polar, with threonine, which is neutral and polar, at codon 16 of the KCNE3 protein (p.Ala16Thr). This variant is present in population databases (rs767752832, gnomAD 0.004%). This variant has not been reported in the literature in individuals affected with KCNE3-related conditions. ClinVar contains an entry for this variant (Variation ID: 2416326). Algorithms developed to predict the effect of missense changes on protein structure and function output the following: SIFT: "Not Available"; PolyPhen-2: "Benign"; Align-GVGD: "Not Available". The threonine amino acid residue is found in multiple mammalian species, which suggests that this missense change does not adversely affect protein function. In summary, the available evidence is currently insufficient to determine the role of this variant in disease. Therefore, it has been classified as a Variant of Uncertain Significance.